The following is an entry in ClinVar:

NM_052947.4(ALPK2):c.5882C>T (p.Ala1961Val)

Gene: ALPK2 (alpha kinase 2; minus strand). Cytogenetic location: 18q21.31.
Variant type: single nucleotide variant.
Coding change: c.5882C>T on transcript NM_052947.4 (MANE Select); coding-DNA position 5882, C replaced by T.
Protein change: p.Ala1961Val; replaces alanine 1961 with valine.
Molecular consequence: missense variant.
Genome position (GRCh38, 1-based): chr18:58,516,966, G>A on the plus strand (C>T on the coding strand, the complement: ALPK2 is on the minus strand). VCF-style: chr18-58516966-G-A. GRCh37 (hg19) VCF-style: chr18-56184198-G-A.
Other names: short protein forms A1961V.
Identifiers: ClinVar variation 1750274 (VCV001750274.28), dbSNP rs200620811, ClinGen allele CA8976340.

ClinVar aggregate classification (germline): Conflicting classifications of pathogenicity. Review status: criteria provided, conflicting classifications (1 of 4 stars). 2 submissions from 2 submitters: Uncertain significance (1); Likely benign (1). Last evaluated 2024-11-16.

Allele frequency attached by ClinVar (database versions not stated): TOPMed 0.00003; gnomAD exomes 0.00018; ExAC 0.00024; gnomAD 0.00036.
gnomAD v4.1: 305 of 1,614,070 alleles (0.019%); highest among the groups gnomAD compares: Non-Finnish European, 0.0058%; 3 homozygotes.

Submissions (2):

Ambry Genetics
Classification: Uncertain significance. Last evaluated: 2024-11-16. Review status: criteria provided, single submitter. Criteria: Ambry Variant Classification Scheme 2023. Collection method: clinical testing. Allele origin: germline.
Comment: The p.A1961V variant (also known as c.5882C>T), located in coding exon 8 of the ALPK2 gene, results from a C to T substitution at nucleotide position 5882. The alanine at codon 1961 is replaced by valine, an amino acid with similar properties. This amino acid position is conserved. In addition, this alteration is predicted to be tolerated by in silico analysis. Since supporting evidence is limited at this time, the clinical significance of this alteration remains unclear.

CeGaT Center for Human Genetics Tuebingen
Classification: Likely benign. Last evaluated: 2022-09-01. Review status: criteria provided, single submitter. Criteria: CeGaT Center For Human Genetics Tuebingen Variant Classification Criteria Version 2. Collection method: clinical testing. Allele origin: germline. Affected: yes. Observed: 1 variant allele.
Comment: ALPK2: BP4, BS2